The following is an entry in ClinVar:

NM_000124.4(ERCC6):c.3983+2T>A

Gene: ERCC6 (ERCC excision repair 6, chromatin remodeling factor; minus strand). Cytogenetic location: 10q11.23.
Variant type: single nucleotide variant.
Coding change: c.3983+2T>A on transcript NM_000124.4 (MANE Select); the canonical splice donor site of the intron after coding-DNA position 3983, T replaced by A.
Molecular consequence: splice donor variant.
Genome position (GRCh38, 1-based): chr10:49,461,350, A>T on the plus strand (T>A on the coding strand, the complement: ERCC6 is on the minus strand). VCF-style: chr10-49461350-A-T. GRCh37 (hg19) VCF-style: chr10-50669396-A-T.
Other names: c.3983+2T>A (NM_001346440.2).
Identifiers: ClinVar variation 2893607 (VCV002893607.3), dbSNP rs2495949203, ClinGen allele CA376708191.

ClinVar aggregate classification (germline): Likely pathogenic (1 of 4 stars; one submission).

Submission:

Labcorp Genetics (formerly Invitae), Labcorp
Classification: Likely pathogenic. Last evaluated: 2023-11-02. Review status: criteria provided, single submitter. Criteria: Invitae Variant Classification Sherloc (09022015). Collection method: clinical testing. Allele origin: germline.
Comment: This sequence change affects a donor splice site in intron 19 of the ERCC6 gene. It is expected to disrupt RNA splicing. Variants that disrupt the donor or acceptor splice site typically lead to a loss of protein function (PMID: 16199547), and loss-of-function variants in ERCC6 are known to be pathogenic (PMID: 18628313, 29572252). This variant is not present in population databases (gnomAD no frequency). This variant has not been reported in the literature in individuals affected with ERCC6-related conditions. Algorithms developed to predict the effect of sequence changes on RNA splicing suggest that this variant may disrupt the consensus splice site. In summary, the currently available evidence indicates that the variant is pathogenic, but additional data are needed to prove that conclusively. Therefore, this variant has been classified as Likely Pathogenic.

Literature cited by the submitters: PubMed 16199547; PubMed 18628313; PubMed 29572252.